The following is an entry in ClinVar:

ClinVar aggregate classification (germline): Uncertain significance (1 of 4 stars; one submission).

Conditions:
Alacrima, achalasia, and impaired intellectual development syndrome. Also called: Alacrima, achalasia, and mental retardation syndrome; Alacrima, achalasia, and intellectual disability syndrome. Identifiers: Orphanet 869, MedGen C4706563, MONDO:0014219, OMIM 615510.

gnomAD v4.1: 19 of 1,590,698 alleles (0.0012%); highest among the groups gnomAD compares: African/African-American, 0.0067%; no homozygotes.

Submission:

Labcorp Genetics (formerly Invitae), Labcorp
Classification: Uncertain significance for Alacrima, achalasia, and impaired intellectual development syndrome. Last evaluated: 2024-11-13. Review status: criteria provided, single submitter. Criteria: Invitae Variant Classification Sherloc (09022015). Collection method: clinical testing. Allele origin: germline.
Comment: This sequence change replaces glycine, which is neutral and non-polar, with arginine, which is basic and polar, at codon 308 of the GMPPA protein (p.Gly308Arg). The frequency data for this variant in the population databases is considered unreliable, as metrics indicate poor data quality at this position in the gnomAD database. This missense change has been observed in individual(s) with GMPPA-related conditions (PMID: 27717089, 29302074, 35607266; internal data). In at least one individual the data is consistent with being in trans (on the opposite chromosome) from a pathogenic variant. Invitae Evidence Modeling of protein sequence and biophysical properties (such as structural, functional, and spatial information, amino acid conservation, physicochemical variation, residue mobility, and thermodynamic stability) indicates that this missense variant is not expected to disrupt GMPPA protein function with a negative predictive value of 80%. In summary, the available evidence is currently insufficient to determine the role of this variant in disease. Therefore, it has been classified as a Variant of Uncertain Significance.

Literature cited by the submitters: PubMed 27717089; PubMed 29302074; PubMed 35607266.

NM_013335.4(GMPPA):c.922G>A (p.Gly308Arg)

Genes: ASIC4-AS1 (ASIC4 antisense RNA 1; minus strand), GMPPA (GDP-mannose pyrophosphorylase A; plus strand). Cytogenetic location: 2q35.
Variant type: single nucleotide variant.
Coding change: c.922G>A on transcript NM_013335.4 (MANE Select); coding-DNA position 922, G replaced by A.
Protein change: p.Gly308Arg; replaces glycine 308 with arginine.
Molecular consequence: missense variant.
Genome position (GRCh38, 1-based): chr2:219,506,001, G>A. VCF-style: chr2-219506001-G-A. GRCh37 (hg19) VCF-style: chr2-220370723-G-A.
Other names: c.922G>A, p.Gly308Arg (NM_205847.3, NM_001374294.1, NM_001374295.1); short protein forms G308R.
Identifiers: ClinVar variation 3652328 (VCV003652328.2).